The following is an entry in ClinVar:

NM_001987.5(ETV6):c.518C>A (p.Pro173His)

Gene: ETV6 (ETS variant transcription factor 6; plus strand). Cytogenetic location: 12p13.2.
Variant type: single nucleotide variant.
Coding change: c.518C>A on transcript NM_001987.5 (MANE Select); coding-DNA position 518, C replaced by A.
Protein change: p.Pro173His; replaces proline 173 with histidine.
Molecular consequence: missense variant.
Genome position (GRCh38, 1-based): chr12:11,869,478, C>A. VCF-style: chr12-11869478-C-A. GRCh37 (hg19) VCF-style: chr12-12022412-C-A.
Other names: c.254C>A, p.Pro85His (NM_001413915.1); c.518C>A, p.Pro173His (NM_001413916.1, NM_001413917.1); c.515C>A, p.Pro172His (NM_001413913.1); c.491C>A, p.Pro164His (NM_001413914.1); short protein forms P173H, P164H, P172H, P85H.
Identifiers: ClinVar variation 2994676 (VCV002994676.4), dbSNP rs1428361713, ClinGen allele CA384043400.

ClinVar aggregate classification (germline): Uncertain significance. Review status: criteria provided, multiple submitters, no conflicts (2 of 4 stars). 2 submissions from 2 submitters: Uncertain significance (2). Last evaluated 2025-02-08.

Conditions:
Inborn genetic diseases. Identifiers: MedGen C0950123, MeSH D030342.

Allele frequency attached by ClinVar (database versions not stated): gnomAD 0.00001; TOPMed 0.00002; gnomAD exomes 0.00003.
gnomAD v4.1: 45 of 1,613,980 alleles (0.0028%); highest among the groups gnomAD compares: Non-Finnish European, 0.0037%; no homozygotes.

Submissions (2):

Ambry Genetics
Classification: Uncertain significance for Inborn genetic diseases. Last evaluated: 2025-02-08. Review status: criteria provided, single submitter. Criteria: Ambry Variant Classification Scheme 2023. Collection method: clinical testing. Allele origin: germline.
Comment: The p.P173H variant (also known as c.518C>A), located in coding exon 5 of the ETV6 gene, results from a C to A substitution at nucleotide position 518. The proline at codon 173 is replaced by histidine, an amino acid with similar properties. This amino acid position is conserved. In addition, this alteration is predicted to be tolerated by in silico analysis. Based on the available evidence, the clinical significance of this variant remains unclear.

Labcorp Genetics (formerly Invitae), Labcorp
Classification: Uncertain significance. Last evaluated: 2024-01-26. Review status: criteria provided, single submitter. Criteria: Invitae Variant Classification Sherloc (09022015). Collection method: clinical testing. Allele origin: germline.
Comment: This sequence change replaces proline, which is neutral and non-polar, with histidine, which is basic and polar, at codon 173 of the ETV6 protein (p.Pro173His). This variant is not present in population databases (gnomAD no frequency). This variant has not been reported in the literature in individuals affected with ETV6-related conditions. Advanced modeling of protein sequence and biophysical properties (such as structural, functional, and spatial information, amino acid conservation, physicochemical variation, residue mobility, and thermodynamic stability) performed at Invitae indicates that this missense variant is not expected to disrupt ETV6 protein function with a negative predictive value of 80%. In summary, the available evidence is currently insufficient to determine the role of this variant in disease. Therefore, it has been classified as a Variant of Uncertain Significance.